The following is an entry in ClinVar:

NM_052947.4(ALPK2):c.6187A>G (p.Thr2063Ala)

Gene: ALPK2 (alpha kinase 2; minus strand). Cytogenetic location: 18q21.31.
Variant type: single nucleotide variant.
Coding change: c.6187A>G on transcript NM_052947.4 (MANE Select); coding-DNA position 6187, A replaced by G.
Protein change: p.Thr2063Ala; replaces threonine 2063 with alanine.
Molecular consequence: missense variant.
Genome position (GRCh38, 1-based): chr18:58,503,991, T>C on the plus strand (A>G on the coding strand, the complement: ALPK2 is on the minus strand). VCF-style: chr18-58503991-T-C. GRCh37 (hg19) VCF-style: chr18-56171223-T-C.
Other names: short protein forms T2063A.
Identifiers: ClinVar variation 3290426 (VCV003290426.1).

ClinVar aggregate classification (germline): Uncertain significance (1 of 4 stars; one submission).

Submission:

Ambry Genetics
Classification: Uncertain significance. Last evaluated: 2024-05-18. Review status: criteria provided, single submitter. Criteria: Ambry Variant Classification Scheme 2023. Collection method: clinical testing. Allele origin: germline.
Comment: The p.T2063A variant (also known as c.6187A>G), located in coding exon 10 of the ALPK2 gene, results from an A to G substitution at nucleotide position 6187. The threonine at codon 2063 is replaced by alanine, an amino acid with similar properties. This amino acid position is conserved. In addition, this alteration is predicted to be tolerated by in silico analysis. Based on the available evidence, the clinical significance of this variant remains unclear.